The following is an entry in ClinVar:

NM_000384.3(APOB):c.4280G>A (p.Arg1427His)

Gene: APOB (apolipoprotein B; minus strand). Cytogenetic location: 2p24.1.
Variant type: single nucleotide variant.
Coding change: c.4280G>A on transcript NM_000384.3 (MANE Select); coding-DNA position 4280, G replaced by A.
Protein change: p.Arg1427His; replaces arginine 1427 with histidine.
Molecular consequence: missense variant.
Genome position (GRCh38, 1-based): chr2:21,012,588, C>T on the plus strand (G>A on the coding strand, the complement: APOB is on the minus strand). VCF-style: chr2-21012588-C-T. GRCh37 (hg19) VCF-style: chr2-21235460-C-T.
Other names: short protein forms R1427H.
Identifiers: ClinVar variation 627779 (VCV000627779.16), dbSNP rs145324793, ClinGen allele CA060811.

ClinVar aggregate classification (germline): Likely benign. Review status: criteria provided, multiple submitters, no conflicts (2 of 4 stars). 3 submissions from 3 submitters: Likely benign (3). Last evaluated 2025-12-22.

Conditions:
Hypercholesterolemia, autosomal dominant, type B (FHCL2). Also called: APOB-Related Familial Hypercholesterolemia, Autosomal Dominant; Hyperlipoproteinemia Type IIb; Familial Hypercholesterolemia Type B; APOLIPOPROTEIN B-100, FAMILIAL DEFECTIVE; APOLIPOPROTEIN B-100, FAMILIAL LIGAND-DEFECTIVE; Familial hypercholesterolemia 2. Identifiers: MedGen C1704417, MONDO:0007751, OMIM 144010.
Familial hypobetalipoproteinemia 1. Also called: APOB-Related Familial Hypobetalipoproteinemia; Hypobetalipoproteinemia, normotriglyceridemic; Acanthocytosis with hypobetalipoproteinemia. Identifiers: MedGen C4551990, MONDO:0014252, OMIM 615558.
Cardiovascular phenotype. Identifiers: MedGen CN230736.

Allele frequency attached by ClinVar (database versions not stated): gnomAD exomes 0.00004 and 0.00007; ExAC 0.00005; TOPMed 0.00009; gnomAD 0.00011; ESP Exome Variant Server 0.00015; 1000 Genomes Project 30x 0.00016; 1000 Genomes Project 0.00020.
gnomAD v4.1: 121 of 1,613,464 alleles (0.0075%); highest among the groups gnomAD compares: African/African-American, 0.016%; no homozygotes.

Submissions (3):

Labcorp Genetics (formerly Invitae), Labcorp
Classification: Likely benign for Familial hypobetalipoproteinemia 1; Hypercholesterolemia, autosomal dominant, type B. Last evaluated: 2025-12-22. Review status: criteria provided, single submitter. Criteria: Invitae Variant Classification Sherloc (09022015). Collection method: clinical testing. Allele origin: germline.

Ambry Genetics
Classification: Likely benign for Cardiovascular phenotype. Last evaluated: 2020-07-08. Review status: criteria provided, single submitter. Criteria: Ambry Variant Classification Scheme 2023. Collection method: clinical testing. Allele origin: germline.

Laboratory for Molecular Medicine, Mass General Brigham Personalized Medicine
Classification: Likely benign. Last evaluated: 2017-11-28. Review status: criteria provided, single submitter. Criteria: ACMG Guidelines, 2015. Collection method: clinical testing. Allele origin: germline.
Comment: p.Arg1427His in exon 26 of APOB: This variant is not expected to have clinical significance due to a lack of conservation across species, including mammals. Of note, 33 have a Histidine (His) at this position despite high nearby amino acid conservation. In addition, computational prediction tools do not suggest a high likelihood of impact to the protein. This variant has been identified in 10/126306 European chromosomes and 3/24012 African chromosomes by the Genome Aggregation Database (gnomAD; dbSNP rs145324793). ACMG/AMP Criteria applied: BP4_strong.